The following is an entry in ClinVar:

NM_001292034.3(TAB2):c.588C>T (p.His196=)

Gene: TAB2 (TGF-beta activated kinase 1 (MAP3K7) binding protein 2; plus strand). Cytogenetic location: 6q25.1.
Variant type: single nucleotide variant.
Coding change: c.588C>T on transcript NM_001292034.3 (MANE Select); coding-DNA position 588, C replaced by T.
Protein change: p.His196=; no amino-acid change (histidine 196 retained).
Molecular consequence: synonymous variant.
Genome position (GRCh38, 1-based): chr6:149,378,503, C>T. VCF-style: chr6-149378503-C-T. GRCh37 (hg19) VCF-style: chr6-149699639-C-T.
Other names: c.492C>T, p.His164= (NM_001292035.3); c.588C>T, p.His196= (NM_001369506.1, NM_015093.6).
Identifiers: ClinVar variation 1314886 (VCV001314886.4), dbSNP rs758431534, ClinGen allele CA4041419.

ClinVar aggregate classification (germline): Conflicting classifications of pathogenicity. Review status: criteria provided, conflicting classifications (1 of 4 stars). 2 submissions from 2 submitters: Uncertain significance (1); Likely benign (1). Last evaluated 2024-12-11.

Allele frequency attached by ClinVar (database versions not stated): gnomAD exomes below 0.00001 and 0.00001; ExAC 0.00001; gnomAD 0.00001.
gnomAD v4.1: 24 of 1,614,082 alleles (0.0015%); highest among the groups gnomAD compares: Non-Finnish European, 0.0018%; no homozygotes.

Submissions (2):

Labcorp Genetics (formerly Invitae), Labcorp
Classification: Likely benign. Last evaluated: 2024-12-11. Review status: criteria provided, single submitter. Criteria: Invitae Variant Classification Sherloc (09022015). Collection method: clinical testing. Allele origin: germline.

GeneDx
Classification: Uncertain significance. Last evaluated: 2021-04-20. Review status: criteria provided, single submitter. Criteria: GeneDx Variant Classification Process June 2021. Collection method: clinical testing. Allele origin: germline. Affected: yes.
Comment: Has not been previously published as pathogenic or benign to our knowledge; Not observed at a significant frequency in large population cohorts (Lek et al., 2016); In silico analysis supports that this variant does not alter splicing